The following is an entry in ClinVar:

ClinVar aggregate classification (germline): Uncertain significance. Review status: criteria provided, multiple submitters, no conflicts (2 of 4 stars). 2 submissions from 2 submitters: Uncertain significance (2). Last evaluated 2025-11-19.

Conditions:
Inborn genetic diseases. Identifiers: MedGen C0950123, MeSH D030342.

gnomAD v4.1: 2 of 1,613,922 alleles (0.00012%); highest among the groups gnomAD compares: Admixed American, 0.0017%; no homozygotes.

Submissions (2):

Labcorp Genetics (formerly Invitae), Labcorp
Classification: Uncertain significance. Last evaluated: 2025-11-19. Review status: criteria provided, single submitter. Criteria: Invitae Variant Classification Sherloc (09022015). Collection method: clinical testing. Allele origin: germline.
Comment: This sequence change replaces arginine, which is basic and polar, with methionine, which is neutral and non-polar, at codon 1441 of the C3 protein (p.Arg1441Met). This variant is present in population databases (no rsID available, gnomAD 0.0009%). This variant has not been reported in the literature in individuals affected with C3-related conditions. ClinVar contains an entry for this variant (Variation ID: 3262509). An algorithm developed to predict the effect of missense changes on protein structure and function (PolyPhen-2) suggests that this variant is likely to be disruptive. In summary, the available evidence is currently insufficient to determine the role of this variant in disease. Therefore, it has been classified as a Variant of Uncertain Significance.

Ambry Genetics
Classification: Uncertain significance for Inborn genetic diseases. Last evaluated: 2024-04-15. Review status: criteria provided, single submitter. Criteria: Ambry Variant Classification Scheme 2023. Collection method: clinical testing. Allele origin: germline.

NM_000064.4(C3):c.4322G>T (p.Arg1441Met)

Gene: C3 (complement C3; minus strand). Cytogenetic location: 19p13.3.
Variant type: single nucleotide variant.
Coding change: c.4322G>T on transcript NM_000064.4 (MANE Select); coding-DNA position 4322, G replaced by T.
Protein change: p.Arg1441Met; replaces arginine 1441 with methionine.
Molecular consequence: missense variant.
Genome position (GRCh38, 1-based): chr19:6,681,969, C>A on the plus strand (G>T on the coding strand, the complement: C3 is on the minus strand). VCF-style: chr19-6681969-C-A. GRCh37 (hg19) VCF-style: chr19-6681980-C-A.
Other names: short protein forms R1441M.
Identifiers: ClinVar variation 3262509 (VCV003262509.2).
Genomic context (GRCh38, chr19:6,681,969, plus strand): 5'-AAGCCTCCCAGGGGAGGATGATGCAGCCTTACCTTGTCCAGGTAGATGATGAGGGTGTTC[C>A]TATCGGAGAAGGCTTTGTCCAGCTCATACTTGGAGATGTATCTGTCAACACCATTGGCCA-3'
Protein context (NP_000055.2, residues 1431-1451): KYELDKAFSD[Arg1441Met]NTLIIYLDKV